The following is an entry in ClinVar:

ClinVar aggregate classification (germline): Likely benign (1 of 4 stars; one submission).

Submission:

CeGaT Center for Human Genetics Tuebingen
Classification: Likely benign. Last evaluated: 2025-04-01. Review status: criteria provided, single submitter. Criteria: CeGaT Center For Human Genetics Tuebingen Variant Classification Criteria Version 2. Collection method: clinical testing. Allele origin: germline. Affected: yes. Observed: 1 variant allele.
Comment: MUC4: BP4

NM_018406.7(MUC4):c.11805C>A (p.Thr3935=)

Gene: MUC4 (mucin 4, cell surface associated). Cytogenetic location: 3q29.
Variant type: single nucleotide variant.
Coding change: c.11805C>A on transcript NM_018406.7 (MANE Select); coding-DNA position 11805, C replaced by A.
Protein change: p.Thr3935=; no amino-acid change (threonine 3935 retained).
Molecular consequence: synonymous variant. On other transcripts: intron variant (2).
Genome position (GRCh38, 1-based): chr3:195,779,775, G>T on the plus strand (C>A on the coding strand, the complement: MUC4 is on the minus strand). VCF-style: chr3-195779775-G-T. GRCh37 (hg19) VCF-style: chr3-195506646-G-T.
Other names: c.83-5470C>A (NM_138297.5); c.83-1320C>A (NM_004532.6).
Identifiers: ClinVar variation 3898759 (VCV003898759.7).